The following is an entry in ClinVar:

NM_001394062.1(MACF1):c.4171G>C (p.Val1391Leu)

Gene: MACF1 (microtubule actin crosslinking factor 1; plus strand). Cytogenetic location: 1p34.3.
Variant type: single nucleotide variant.
Coding change: c.4171G>C on transcript NM_001394062.1 (MANE Select); coding-DNA position 4171, G replaced by C.
Protein change: p.Val1391Leu; replaces valine 1391 with leucine.
Molecular consequence: missense variant.
Genome position (GRCh38, 1-based): chr1:39,322,943, G>C. VCF-style: chr1-39322943-G-C. GRCh37 (hg19) VCF-style: chr1-39788615-G-C.
Other names: c.4186G>C, p.Val1396Leu (NM_012090.5); short protein forms V1391L, V1396L.
Identifiers: ClinVar variation 3389863 (VCV003389863.14).

ClinVar aggregate classification (germline): Uncertain significance (1 of 4 stars; one submission).

Submission:

CeGaT Center for Human Genetics Tuebingen
Classification: Uncertain significance. Last evaluated: 2024-10-01. Review status: criteria provided, single submitter. Criteria: CeGaT Center For Human Genetics Tuebingen Variant Classification Criteria Version 2. Collection method: clinical testing. Allele origin: germline. Affected: yes. Observed: 1 variant allele.
Comment: MACF1: PM2